The following is an entry in ClinVar:

ClinVar aggregate classification (germline): Pathogenic (1 of 4 stars; one submission).

Submission:

GeneDx
Classification: Pathogenic. Last evaluated: 2024-09-11. Review status: criteria provided, single submitter. Criteria: GeneDx Variant Classification Process June 2021. Collection method: clinical testing. Allele origin: germline. Affected: yes.
Comment: Nonsense variant predicted to result in protein truncation or nonsense mediated decay in a gene for which loss of function is a known mechanism of disease; Not observed at significant frequency in large population cohorts (gnomAD); Has not been previously published as pathogenic or benign to our knowledge

NM_138927.4(SON):c.1759C>T (p.Gln587Ter)

Gene: SON (SON DNA and RNA binding protein; plus strand). Cytogenetic location: 21q22.11.
Variant type: single nucleotide variant.
Coding change: c.1759C>T on transcript NM_138927.4 (MANE Select); coding-DNA position 1759, C replaced by T.
Protein change: p.Gln587Ter; replaces glutamine 587 with a stop codon.
Molecular consequence: nonsense. On other transcripts: non-coding transcript variant (1), intron variant (1).
Genome position (GRCh38, 1-based): chr21:33,550,990, C>T. VCF-style: chr21-33550990-C-T. GRCh37 (hg19) VCF-style: chr21-34923296-C-T.
Other names: c.1759C>T, p.Gln587Ter (NM_001291411.2, NM_032195.3); c.244+4611C>T (NM_001291412.3); short protein forms Q587*.
Identifiers: ClinVar variation 3769826 (VCV003769826.1).
Genomic context (GRCh38, chr21:33,550,990, plus strand): 5'-ACTGGGGTGCCAGAGTTGCCAGGGCTGCCTTCGGCAACTAGGGCACTGGAGTTGTCGGGG[C>T]AGCCTGTGGCAACTGGGGCACTAGAGTTGCCTGGGCCGCTCATGGCAGCTGGGGCACTGG-3'